The following is an entry in ClinVar:

NM_000535.7(PMS2):c.738C>A (p.Pro246=)

Gene: PMS2 (PMS1 homolog 2, mismatch repair system component; minus strand). Cytogenetic location: 7p22.1.
Variant type: single nucleotide variant.
Coding change: c.738C>A on transcript NM_000535.7 (MANE Select); coding-DNA position 738, C replaced by A.
Protein change: p.Pro246=; no amino-acid change (proline 246 retained).
Molecular consequence: synonymous variant. On other transcripts: 5 prime UTR variant (2), non-coding transcript variant (1), intron variant (3).
Genome position (GRCh38, 1-based): chr7:5,997,391, G>T on the plus strand (C>A on the coding strand, the complement: PMS2 is on the minus strand). VCF-style: chr7-5997391-G-T. GRCh37 (hg19) VCF-style: chr7-6037022-G-T.
Other names: c.333C>A, p.Pro111= (NM_001018040.1, NM_001322003.2, NM_001322004.2 and 20 more transcripts); c.738C>A, p.Pro246= (NM_001322006.2, NM_001322014.2, NM_001406870.1 and 3 more transcripts); c.420C>A, p.Pro140= (NM_001322007.2, NM_001322008.2, NM_001406876.1 and 4 more transcripts); c.-196C>A (NM_001322011.2, NM_001322012.2); c.165C>A, p.Pro55= (NM_001322013.2, NM_001406909.1); c.429C>A, p.Pro143= (NM_001322015.2, NM_001406875.1, NM_001406877.1 and 6 more transcripts); c.924C>A, p.Pro308= (NM_001406866.1); c.762C>A, p.Pro254= (NM_001406868.1); and 7 more.
Identifiers: ClinVar variation 2126595 (VCV002126595.5), dbSNP rs202094399, ClinGen allele CA453646179.
Genomic context (GRCh38, chr7:5,997,391, plus strand): 5'-AAGATTATGCAGAGCATCGGAACAGCTCAAACCGTACTCTTCACACACGGAGTCACTAGG[G>T]GGCAGCTGAACAAAAGGAATGAGGCTTTGCAACTGAAAAAAAAAAAAAAAAATTCACAGT-3'
Protein context (NP_000526.2, residues 236-256): LQSLIPFVQL[Pro246=]PSDSVCEEYG

ClinVar aggregate classification (germline): Benign/Likely benign. Review status: criteria provided, multiple submitters, no conflicts (2 of 4 stars). 2 submissions from 2 submitters: Benign (1); Likely benign (1). Last evaluated 2025-01-28.

Conditions:
Lynch syndrome 4 (LYNCH4). Also called: Hereditary non-polyposis colorectal cancer, type 4; Colorectal cancer, hereditary nonpolyposis, type 4. Identifiers: Orphanet 144, MedGen C1838333, MONDO:0013699, OMIM 614337. Disease mechanism: loss of function.
Hereditary nonpolyposis colorectal neoplasms. Identifiers: MedGen C0009405, MeSH D003123.

gnomAD v4.1: 2 of 1,605,400 alleles (0.00012%); highest among the groups gnomAD compares: Non-Finnish European, 0.00017%; no homozygotes.

Submissions (2):

Myriad Genetics, Inc.
Classification: Benign for Lynch syndrome 4. Last evaluated: 2025-01-28. Review status: criteria provided, single submitter. Criteria: Myriad Autosomal Dominant, Autosomal Recessive and X-Linked Classification Criteria (2023). Collection method: clinical testing. Allele origin: unknown.
Comment: This variant is considered benign. This variant is a silent/synonymous amino acid change and it is not expected to impact splicing.

Labcorp Genetics (formerly Invitae), Labcorp
Classification: Likely benign for Hereditary nonpolyposis colorectal neoplasms. Last evaluated: 2023-12-21. Review status: criteria provided, single submitter. Criteria: Invitae Variant Classification Sherloc (09022015). Collection method: clinical testing. Allele origin: germline.